The following is an entry in ClinVar:

ClinVar aggregate classification (germline): Pathogenic (0 of 4 stars; one submission).

Conditions:
Marfan syndrome (MFS). Also called: MARFAN SYNDROME, TYPE I; Marfan syndrome type 1; Marfan's syndrome; FBN1-Related Marfan Syndrome; Marfan syndrome, classic. Identifiers: Orphanet 284963, Orphanet 558, MedGen C0024796, MONDO:0007947, OMIM 154700.

Submission:

Department of Laboratory Medicine and Genetics, Samsung Medical Center
Classification: Pathogenic for Marfan syndrome. Last evaluated: 2025-01-02. Review status: no assertion criteria provided. Collection method: clinical testing. Allele origin: germline. Affected: yes.
Comment: The NM_000138.5:c.8020T>A is considered to be rare in the general population database (gnomAD v2.1.1). This variant is predicted to be deleterious by in-silico analysis (REVEL). This variant is located in functional domains. According to the ClinGen guidance for PP1/BS4 and PP4 criteria (PMID: 38103548), PP4 with weighted strength was applied. In summary, this variant was classified as a pathogenic variant for Marfan syndrome (PM1_S, PP2, PP3, PP4 with weighted strength, PM2_P).

Literature cited by the submitters: PubMed 37558401.

NM_000138.5(FBN1):c.8020T>A (p.Cys2674Ser)

Gene: FBN1 (fibrillin 1; minus strand). Cytogenetic location: 15q21.1.
Variant type: single nucleotide variant.
Coding change: c.8020T>A on transcript NM_000138.5 (MANE Select); coding-DNA position 8020, T replaced by A.
Protein change: p.Cys2674Ser; replaces cysteine 2674 with serine.
Molecular consequence: missense variant.
Genome position (GRCh38, 1-based): chr15:48,415,567, A>T on the plus strand (T>A on the coding strand, the complement: FBN1 is on the minus strand). VCF-style: chr15-48415567-A-T. GRCh37 (hg19) VCF-style: chr15-48707764-A-T.
Other names: c.8020T>A, p.Cys2674Ser (NM_001406716.1); short protein forms C2674S.
Identifiers: ClinVar variation 3600261 (VCV003600261.1).